The following is an entry in ClinVar:

ClinVar aggregate classification (germline): Pathogenic/Likely pathogenic. Review status: criteria provided, multiple submitters, no conflicts (2 of 4 stars). 4 submissions from 4 submitters: Pathogenic (1); Likely pathogenic (2). 1 of the submissions does not count toward it. Last evaluated 2025-04-21.

Conditions:
GM1 gangliosidosis type 3. Also called: GANGLIOSIDOSIS, GENERALIZED GM1, ADULT TYPE; GANGLIOSIDOSIS, GENERALIZED GM1, CHRONIC TYPE; GANGLIOSIDOSIS, GENERALIZED GM1, TYPE III; GM1-GANGLIOSIDOSIS, TYPE III; Beta-galactosidase deficiency; Adult GM1 gangliosidosis. Identifiers: Orphanet 79257, MedGen C0268273, MONDO:0009262, OMIM 230650.
GM1 gangliosidosis type 2. Also called: GANGLIOSIDOSIS, GENERALIZED GM1, JUVENILE TYPE; GANGLIOSIDOSIS, GENERALIZED GM1, TYPE II; GM1-GANGLIOSIDOSIS, TYPE II; Juvenile GM>1< gangliosidosis; Gangliosidosis, Generalized GM1, Type 2. Identifiers: Orphanet 354, Orphanet 79256, MedGen C0268272, MONDO:0009261, OMIM 230600.
Infantile GM1 gangliosidosis. Also called: GM1 gangliosidosis type 1; GM1-gangliosidosis, type I; Gangliosidosis, generalized GM1, infantile form; GLB1 deficiency; Gangliosidosis, Generalized GM1, Type 1. Identifiers: Orphanet 354, Orphanet 79255, MedGen C0268271, MONDO:0009260, OMIM 230500.
Mucopolysaccharidosis, MPS-IV-B (MPS4B). Also called: Mucopolysaccharidosis type 4B; Mucopolysaccharidosis Type IVB (Morquio B Disease); MORQUIO SYNDROME B; Mucopolysaccharidosis type IVB (Morquio); MPS IVB; Mucopolysaccharidosis type IV B. Identifiers: Orphanet 309310, Orphanet 582, MedGen C0086652, MONDO:0009660, OMIM 253010.
GM1 gangliosidosis. Identifiers: Orphanet 354, MedGen C0085131, MONDO:0018149.

Allele frequency attached by ClinVar (database versions not stated): gnomAD exomes 0.00001.
gnomAD v4.1: 15 of 1,614,072 alleles (0.00093%); highest among the groups gnomAD compares: African/African-American, 0.0013%; no homozygotes.

Submissions (4):

Labcorp Genetics (formerly Invitae), Labcorp
Classification: Likely pathogenic for Mucopolysaccharidosis, MPS-IV-B; GM1 gangliosidosis. Last evaluated: 2025-04-21. Review status: criteria provided, single submitter. Criteria: Invitae Variant Classification Sherloc (09022015). Collection method: clinical testing. Allele origin: germline.
Comment: This sequence change replaces asparagine, which is neutral and polar, with lysine, which is basic and polar, at codon 484 of the GLB1 protein (p.Asn484Lys). This variant is not present in population databases (gnomAD no frequency). This missense change has been observed in individual(s) with mucopolysaccharidosis, type IVB (PMID: 12393180). ClinVar contains an entry for this variant (Variation ID: 553506). Invitae Evidence Modeling of protein sequence and biophysical properties (such as structural, functional, and spatial information, amino acid conservation, physicochemical variation, residue mobility, and thermodynamic stability) indicates that this missense variant is expected to disrupt GLB1 protein function with a positive predictive value of 95%. In summary, the currently available evidence indicates that the variant is pathogenic, but additional data are needed to prove that conclusively. Therefore, this variant has been classified as Likely Pathogenic.

Natera, Inc.
Classification: Likely pathogenic for Mucopolysaccharidosis, MPS-IV-B. Last evaluated: 2024-07-01. Review status: criteria provided, single submitter. Criteria: Natera Variant Classification Schema (03/2026). Collection method: clinical testing. Allele origin: germline.
Comment: The c.1452C>G variant in GLB1 is a missense variant predicted to cause substitution of asparagine to lysine at amino acid 484. This variant is rare in the general population with a frequency below the threshold expected for the associated phenotype(s). This variant has been observed in one or more individuals affected with the associated recessive disease, as either homozygous or compound heterozygous with a second variant (PMID: 12393180). Additionally, this variant has been observed to segregate in affected family members (PMID: 12393180). Functional studies show that this variant may disrupt protein function (PMID: 23337983). Computational prediction algorithms indicate this variant is likely to affect gene or protein function. Given the available evidence, this variant is classified as Likely Pathogenic.

Fulgent Genetics
Classification: Pathogenic for Infantile GM1 gangliosidosis; GM1 gangliosidosis type 2; GM1 gangliosidosis type 3; Mucopolysaccharidosis, MPS-IV-B. Last evaluated: 2024-04-27. Review status: criteria provided, single submitter. Criteria: ACMG Guidelines, 2015. Collection method: clinical testing. Allele origin: germline.

Counsyl
Classification: Uncertain significance for Infantile GM1 gangliosidosis; GM1 gangliosidosis type 2; GM1 gangliosidosis type 3; Mucopolysaccharidosis, MPS-IV-B. Last evaluated: 2017-12-14. Review status: no assertion criteria provided. Collection method: clinical testing. Allele origin: unknown. Not counted in ClinVar's aggregate classification.

Literature cited by the submitters: PubMed 12393180 (cited by 3 submitters); PubMed 23337983 (cited by Natera, Inc. and Counsyl); PubMed 22128166 (cited by Counsyl); PubMed 10841810 (cited by Counsyl).

NM_000404.4(GLB1):c.1452C>G (p.Asn484Lys)

Gene: GLB1 (galactosidase beta 1; minus strand). Cytogenetic location: 3p22.3.
Variant type: single nucleotide variant.
Coding change: c.1452C>G on transcript NM_000404.4 (MANE Select); coding-DNA position 1452, C replaced by G.
Protein change: p.Asn484Lys; replaces asparagine 484 with lysine.
Molecular consequence: missense variant.
Genome position (GRCh38, 1-based): chr3:33,016,736, G>C on the plus strand (C>G on the coding strand, the complement: GLB1 is on the minus strand). VCF-style: chr3-33016736-G-C. GRCh37 (hg19) VCF-style: chr3-33058228-G-C.
Other names: c.1452C>G (NM_000404.3); c.1362C>G, p.Asn454Lys (NM_001079811.3); c.1059C>G, p.Asn353Lys (NM_001135602.3); c.1596C>G, p.Asn532Lys (NM_001317040.2); c.1452C>G, p.Asn484Lys (NM_001393580.1); short protein forms N484K, N454K, N353K, N532K.
Identifiers: ClinVar variation 553506 (VCV000553506.9), dbSNP rs968221254, ClinGen allele CA72648584.